The following is an entry in ClinVar:

NM_199420.4(POLQ):c.6317T>C (p.Met2106Thr)

Gene: POLQ (DNA polymerase theta; minus strand). Cytogenetic location: 3q13.33.
Variant type: single nucleotide variant.
Coding change: c.6317T>C on transcript NM_199420.4 (MANE Select); coding-DNA position 6317, T replaced by C.
Protein change: p.Met2106Thr; replaces methionine 2106 with threonine.
Molecular consequence: missense variant.
Genome position (GRCh38, 1-based): chr3:121,476,628, A>G on the plus strand (T>C on the coding strand, the complement: POLQ is on the minus strand). VCF-style: chr3-121476628-A-G. GRCh37 (hg19) VCF-style: chr3-121195475-A-G.
Other names: short protein forms M2106T.
Identifiers: ClinVar variation 1752817 (VCV001752817.3), dbSNP rs756110988, ClinGen allele CA2562512.

ClinVar aggregate classification (germline): Uncertain significance (1 of 4 stars; one submission).

Allele frequency attached by ClinVar (database versions not stated): gnomAD exomes below 0.00001; ExAC 0.00001; gnomAD 0.00001.
gnomAD v4.1: 5 of 1,613,880 alleles (0.00031%); highest among the groups gnomAD compares: Non-Finnish European, 0.00042%; no homozygotes.

Submission:

Ambry Genetics
Classification: Uncertain significance. Last evaluated: 2023-07-23. Review status: criteria provided, single submitter. Criteria: Ambry Variant Classification Scheme 2023. Collection method: clinical testing. Allele origin: germline.
Comment: The p.M2106T variant (also known as c.6317T>C), located in coding exon 20 of the POLQ gene, results from a T to C substitution at nucleotide position 6317. The methionine at codon 2106 is replaced by threonine, an amino acid with similar properties. This amino acid position is conserved. In addition, this alteration is predicted to be tolerated by in silico analysis. Since supporting evidence is limited at this time, the clinical significance of this alteration remains unclear.